The following is an entry in ClinVar:

NM_001261826.3(AP3D1):c.1246G>A (p.Glu416Lys)

Gene: AP3D1 (adaptor related protein complex 3 subunit delta 1; minus strand). Cytogenetic location: 19p13.3.
Variant type: single nucleotide variant.
Coding change: c.1246G>A on transcript NM_001261826.3 (MANE Select); coding-DNA position 1246, G replaced by A.
Protein change: p.Glu416Lys; replaces glutamic acid 416 with lysine.
Molecular consequence: missense variant.
Genome position (GRCh38, 1-based): chr19:2,121,167, C>T on the plus strand (G>A on the coding strand, the complement: AP3D1 is on the minus strand). VCF-style: chr19-2121167-C-T. GRCh37 (hg19) VCF-style: chr19-2121166-C-T.
Other names: c.1246G>A, p.Glu416Lys (NM_001374799.1, NM_003938.8); short protein forms E416K.
Identifiers: ClinVar variation 988830 (VCV000988830.4), dbSNP rs772939299, ClinGen allele CA9059384.

ClinVar aggregate classification (germline): Uncertain significance. Review status: criteria provided, single submitter (1 of 4 stars). 2 submissions from 2 submitters: Uncertain significance (1). 1 of the submissions does not count toward it. Last evaluated 2023-02-27.

Conditions:
Abnormal bleeding. Also called: Bleeding diathesis. Identifiers: MedGen C1458140, HP:0001892.
Thrombocytopenia. Identifiers: MedGen C0040034, MeSH D013921, MONDO:0002049, HP:0001873.

Allele frequency attached by ClinVar (database versions not stated): gnomAD 0.00002 and 0.00003; gnomAD exomes 0.00003; TOPMed 0.00001; ExAC 0.00002.
gnomAD v4.1: 77 of 1,614,018 alleles (0.0048%); highest among the groups gnomAD compares: East Asian, 0.0067%; no homozygotes.

Submissions (2):

Labcorp Genetics (formerly Invitae), Labcorp
Classification: Uncertain significance. Last evaluated: 2023-02-27. Review status: criteria provided, single submitter. Criteria: Invitae Variant Classification Sherloc (09022015). Collection method: clinical testing. Allele origin: germline.
Comment: This sequence change replaces glutamic acid, which is acidic and polar, with lysine, which is basic and polar, at codon 416 of the AP3D1 protein (p.Glu416Lys). This variant is present in population databases (rs772939299, gnomAD 0.006%). This variant has not been reported in the literature in individuals affected with AP3D1-related conditions. ClinVar contains an entry for this variant (Variation ID: 988830). An algorithm developed to predict the effect of missense changes on protein structure and function (PolyPhen-2) suggests that this variant is likely to be disruptive. In summary, the available evidence is currently insufficient to determine the role of this variant in disease. Therefore, it has been classified as a Variant of Uncertain Significance.

Birmingham Platelet Group; University of Birmingham
Classification: Uncertain significance for Thrombocytopenia; Abnormal bleeding. Last evaluated: 2020-05-01. Review status: no assertion criteria provided. Collection method: research. Allele origin: germline. Affected: yes. Not counted in ClinVar's aggregate classification.